The following is an entry in ClinVar:

ClinVar aggregate classification (germline): Benign/Likely benign. Review status: criteria provided, multiple submitters, no conflicts (2 of 4 stars). 7 submissions from 7 submitters: Benign (4); Likely benign (1). 2 of the submissions do not count toward it. Last evaluated 2026-02-03.

Conditions:
Brain small vessel disease 2A, autosomal dominant. Also called: Porencephaly 2. Identifiers: Orphanet 2940, Orphanet 99810, MedGen C3280970, MONDO:0013773, OMIM 614483.
Hemorrhage, intracerebral, susceptibility to (ICH). Also called: Stroke, hemorrhagic, susceptibility to. Identifiers: MedGen C3281105, MONDO:0100533, OMIM 614519.

Allele frequency attached by ClinVar (database versions not stated): gnomAD exomes 0.00305 and 0.00808; ExAC 0.01034; 1000 Genomes Project 0.03255; gnomAD 0.03314 and 0.03560; 1000 Genomes Project 30x 0.03342; ESP Exome Variant Server 0.03616; TOPMed 0.03724.
gnomAD v4.1: 9,629 of 1,582,582 alleles (0.61%); highest among the groups gnomAD compares: African/African-American, 12%; 532 homozygotes.

Submissions (7):

Labcorp Genetics (formerly Invitae), Labcorp
Classification: Benign. Last evaluated: 2026-02-03. Review status: criteria provided, single submitter. Criteria: Invitae Variant Classification Sherloc (09022015). Collection method: clinical testing. Allele origin: germline.

Fulgent Genetics
Classification: Likely benign for Brain small vessel disease 2A, autosomal dominant; Hemorrhage, intracerebral, susceptibility to. Last evaluated: 2021-09-27. Review status: criteria provided, single submitter. Criteria: ACMG Guidelines, 2015. Collection method: clinical testing. Allele origin: unknown.

GeneDx
Classification: Benign. Last evaluated: 2018-07-10. Review status: criteria provided, single submitter. Criteria: GeneDx Variant Classification Process June 2021. Collection method: clinical testing. Allele origin: germline. Affected: yes.

Illumina Laboratory Services, Illumina
Classification: Benign for Brain small vessel disease 2A, autosomal dominant. Last evaluated: 2018-01-13. Review status: criteria provided, single submitter. Criteria: ICSL Variant Classification Criteria 13 December 2019. Collection method: clinical testing. Allele origin: germline.
Comment: This variant was observed in the ICSL laboratory as part of a predisposition screen in an ostensibly healthy population. It had not been previously curated by ICSL or reported in the Human Gene Mutation Database (HGMD: prior to June 1st, 2018), and was therefore a candidate for classification through an automated scoring system. Utilizing variant allele frequency, disease prevalence and penetrance estimates, and inheritance mode, an automated score was calculated to assess if this variant is too frequent to cause the disease. Based on the score and internal cut-off values, a variant classified as benign is not then subjected to further curation. The score for this variant resulted in a classification of benign for this disease.

Breakthrough Genomics
Classification: Benign. Review status: criteria provided, single submitter. Criteria: ACMG Guidelines, 2015. Collection method: not provided. Allele origin: germline. Inheritance: Autosomal dominant inheritance. Affected: yes.

Clinical Genetics DNA and cytogenetics Diagnostics Lab, Erasmus MC, Erasmus Medical Center
Classification: Benign. Review status: no assertion criteria provided. Collection method: clinical testing. Allele origin: germline. Affected: yes. Study: VKGL Data-share Consensus. Not counted in ClinVar's aggregate classification.

Laboratory of Diagnostic Genome Analysis, Leiden University Medical Center (LUMC)
Classification: Benign. Review status: no assertion criteria provided. Collection method: clinical testing. Allele origin: germline. Affected: yes. Study: VKGL Data-share Consensus. Not counted in ClinVar's aggregate classification.

NM_001846.4(COL4A2):c.549+15G>C

Gene: COL4A2 (collagen type IV alpha 2 chain; plus strand). Cytogenetic location: 13q34.
Variant type: single nucleotide variant.
Coding change: c.549+15G>C on transcript NM_001846.4 (MANE Select); 15 bases into the intron after coding-DNA position 549, G replaced by C.
Molecular consequence: intron variant.
Genome position (GRCh38, 1-based): chr13:110,429,971, G>C. VCF-style: chr13-110429971-G-C. GRCh37 (hg19) VCF-style: chr13-111082318-G-C.
Identifiers: ClinVar variation 311104 (VCV000311104.19), dbSNP rs74124318, ClinGen allele CA7048942.